The following is an entry in ClinVar:

ClinVar aggregate classification (germline): Conflicting classifications of pathogenicity. Review status: criteria provided, conflicting classifications (1 of 4 stars). 11 submissions from 10 submitters: Uncertain significance (8); Benign (1); Likely benign (2). Last evaluated 2026-09-01.

Conditions:
Autosomal recessive ataxia, Beauce type. Also called: ATAXIA, RECESSIVE, OF BEAUCE; SYNE1-Related Autosomal Recessive Cerebellar Ataxia; Spinocerebellar ataxia, autosomal recessive 8; SYNE1 Deficiency. Identifiers: Orphanet 88644, MedGen C1853116, MONDO:0012549, OMIM 610743.
Emery-Dreifuss muscular dystrophy 4, autosomal dominant (EDMD4). Also called: EMERY-DREIFUSS MUSCULAR DYSTROPHY 4 WITH VARIABLE FEATURES. Identifiers: Orphanet 261, MedGen C2751807, MONDO:0013071, OMIM 612998.

Allele frequency attached by ClinVar (database versions not stated): gnomAD 0.00022 and 0.00024; TOPMed 0.00027; gnomAD exomes 0.00029; ExAC 0.00035; ESP Exome Variant Server 0.00038.
gnomAD v4.1: 580 of 1,614,032 alleles (0.036%); highest among the groups gnomAD compares: Non-Finnish European, 0.045%; 1 homozygote.

Submissions (11):

CeGaT Center for Human Genetics Tuebingen
Classification: Likely benign. Last evaluated: 2026-09-01. Review status: criteria provided, single submitter. Criteria: CeGaT Center For Human Genetics Tuebingen Variant Classification Criteria Version 2. Collection method: clinical testing. Allele origin: germline. Affected: yes. Observed: 4 variant alleles.
Comment: SYNE1: BP4

Mayo Clinic Laboratories, Mayo Clinic
Classification: Uncertain significance. Last evaluated: 2025-08-18. Review status: criteria provided, single submitter. Criteria: ACMG Guidelines, 2015. Collection method: clinical testing. Allele origin: germline. Observed: 2 variant alleles.
Comment: BP4

Women's Health and Genetics/Laboratory Corporation of America, LabCorp
Classification: Uncertain significance. Last evaluated: 2025-04-15. Review status: criteria provided, single submitter. Criteria: LabCorp Variant Classification Summary - May 2015. Collection method: clinical testing. Allele origin: germline.
Comment: Variant summary: SYNE1 c.16082G>A (p.Arg5361Gln) results in a conservative amino acid change in the encoded protein sequence. Five of five in-silico tools predict a benign effect of the variant on protein function. The variant allele was found at a frequency of 0.00029 in 251426 control chromosomes. This frequency is not significantly higher than estimated for a pathogenic variant in SYNE1 causing Autosomal recessive ataxia, Beauce type (0.00029 vs 0.0011), allowing no conclusion about variant significance. To our knowledge, no occurrence of c.16082G>A in individuals affected with Autosomal recessive ataxia, Beauce type and no experimental evidence demonstrating its impact on protein function have been reported. ClinVar contains an entry for this variant (Variation ID: 282877). Based on the evidence outlined above, the variant was classified as uncertain significance.

Revvity Omics, Revvity
Classification: Likely benign. Last evaluated: 2023-11-07. Review status: criteria provided, single submitter. Criteria: ACMG Guidelines, 2015. Collection method: clinical testing. Allele origin: germline.

Athena Diagnostics
Classification: Uncertain significance. Last evaluated: 2023-11-01. Review status: criteria provided, single submitter. Criteria: Athena Diagnostics Criteria. Collection method: clinical testing. Allele origin: unknown.
Comment: Available data are insufficient to determine the clinical significance of the variant at this time. The frequency of this variant in the general population is higher than would generally be expected for pathogenic variants in this gene. Computational tools predict that this variant is not damaging.

GeneDx
Classification: Uncertain significance. Last evaluated: 2023-02-10. Review status: criteria provided, single submitter. Criteria: GeneDx Variant Classification Process June 2021. Collection method: clinical testing. Allele origin: germline. Affected: yes.
Comment: In silico analysis supports that this missense variant does not alter protein structure/function; Has not been previously published as pathogenic or benign to our knowledge

Labcorp Genetics (formerly Invitae), Labcorp
Classification: Uncertain significance for Emery-Dreifuss muscular dystrophy 4, autosomal dominant; Autosomal recessive ataxia, Beauce type. Last evaluated: 2022-08-16. Review status: criteria provided, single submitter. Criteria: Invitae Variant Classification Sherloc (09022015). Collection method: clinical testing. Allele origin: germline.
Comment: This sequence change replaces arginine, which is basic and polar, with glutamine, which is neutral and polar, at codon 5361 of the SYNE1 protein (p.Arg5361Gln). This variant is present in population databases (rs200812806, gnomAD 0.05%). This variant has not been reported in the literature in individuals affected with SYNE1-related conditions. ClinVar contains an entry for this variant (Variation ID: 282877). Algorithms developed to predict the effect of missense changes on protein structure and function output the following: SIFT: "Tolerated"; PolyPhen-2: "Benign"; Align-GVGD: "Class C0". The glutamine amino acid residue is found in multiple mammalian species, which suggests that this missense change does not adversely affect protein function. In summary, the available evidence is currently insufficient to determine the role of this variant in disease. Therefore, it has been classified as a Variant of Uncertain Significance.

Fulgent Genetics
Classification: Uncertain significance for Autosomal recessive ataxia, Beauce type; Emery-Dreifuss muscular dystrophy 4, autosomal dominant. Last evaluated: 2018-10-31. Review status: criteria provided, single submitter. Criteria: ACMG Guidelines, 2015. Collection method: clinical testing. Allele origin: unknown.

Eurofins Ntd Llc (ga)
Classification: Uncertain significance. Last evaluated: 2018-06-15. Review status: criteria provided, single submitter. Criteria: EGL ClinVar v180209 classification definitions. Collection method: clinical testing. Allele origin: germline. Observed: 6 variant alleles, 6 heterozygotes.

Illumina Laboratory Services, Illumina
Classification: Uncertain significance for Autosomal recessive ataxia, Beauce type. Last evaluated: 2018-01-13. Review status: criteria provided, single submitter. Criteria: ICSL Variant Classification Criteria 13 December 2019. Collection method: clinical testing. Allele origin: germline.

Illumina Laboratory Services, Illumina
Classification: Benign for Emery-Dreifuss muscular dystrophy 4, autosomal dominant. Last evaluated: 2018-01-13. Review status: criteria provided, single submitter. Criteria: ICSL Variant Classification Criteria 13 December 2019. Collection method: clinical testing. Allele origin: germline.
Comment: This variant was observed in the ICSL laboratory as part of a predisposition screen in an ostensibly healthy population. It had not been previously curated by ICSL or reported in the Human Gene Mutation Database (HGMD: prior to June 1st, 2018), and was therefore a candidate for classification through an automated scoring system. Utilizing variant allele frequency, disease prevalence and penetrance estimates, and inheritance mode, an automated score was calculated to assess if this variant is too frequent to cause the disease. Based on the score and internal cut-off values, a variant classified as benign is not then subjected to further curation. The score for this variant resulted in a classification of benign for this disease.

NM_182961.4(SYNE1):c.16295G>A (p.Arg5432Gln)

Gene: SYNE1 (spectrin repeat containing nuclear envelope protein 1; minus strand). Cytogenetic location: 6q25.2.
Variant type: single nucleotide variant.
Coding change: c.16295G>A on transcript NM_182961.4 (MANE Select); coding-DNA position 16295, G replaced by A.
Protein change: p.Arg5432Gln; replaces arginine 5432 with glutamine.
Molecular consequence: missense variant.
Genome position (GRCh38, 1-based): chr6:152,318,957, C>T on the plus strand (G>A on the coding strand, the complement: SYNE1 is on the minus strand). VCF-style: chr6-152318957-C-T. GRCh37 (hg19) VCF-style: chr6-152640092-C-T.
Other names: p.Arg5361Gln; c.16082G>A, p.Arg5361Gln (NM_033071.5); short protein forms R5432Q, R5361Q.
Identifiers: ClinVar variation 282877 (VCV000282877.58), dbSNP rs200812806, ClinGen allele CA4055551.